The following is an entry in ClinVar:

NM_006494.4(ERF):c.700G>A (p.Val234Ile)

Gene: ERF (ETS2 repressor factor; minus strand). Cytogenetic location: 19q13.2.
Variant type: single nucleotide variant.
Coding change: c.700G>A on transcript NM_006494.4 (MANE Select); coding-DNA position 700, G replaced by A.
Protein change: p.Val234Ile; replaces valine 234 with isoleucine.
Molecular consequence: missense variant.
Genome position (GRCh38, 1-based): chr19:42,249,412, C>T on the plus strand (G>A on the coding strand, the complement: ERF is on the minus strand). VCF-style: chr19-42249412-C-T. GRCh37 (hg19) VCF-style: chr19-42753564-C-T.
Other names: c.475G>A, p.Val159Ile (NM_001301035.2, NM_001308402.2, NM_001312656.2); short protein forms V159I, V234I.
Identifiers: ClinVar variation 2662658 (VCV002662658.1), dbSNP rs2036401712, ClinGen allele CA406110964.

ClinVar aggregate classification (germline): Uncertain significance (1 of 4 stars; one submission).

Allele frequency attached by ClinVar (database versions not stated): TOPMed below 0.00001; gnomAD 0.00001.

Submission:

GeneDx
Classification: Uncertain significance. Last evaluated: 2023-04-14. Review status: criteria provided, single submitter. Criteria: GeneDx Variant Classification Process June 2021. Collection method: clinical testing. Allele origin: germline. Affected: yes.
Comment: Not observed at significant frequency in large population cohorts (gnomAD); In silico analysis supports that this missense variant does not alter protein structure/function; Has not been previously published as pathogenic or benign to our knowledge